The following is an entry in ClinVar:

ClinVar aggregate classification (germline): Uncertain significance. Review status: criteria provided, multiple submitters, no conflicts (2 of 4 stars). 3 submissions from 3 submitters: Uncertain significance (3). Last evaluated 2025-07-31.

Allele frequency attached by ClinVar (database versions not stated): gnomAD exomes below 0.00001.
gnomAD v4.1: 6 of 1,614,220 alleles (0.00037%); highest among the groups gnomAD compares: Non-Finnish European, 0.00051%; no homozygotes.

Submissions (3):

Labcorp Genetics (formerly Invitae), Labcorp
Classification: Uncertain significance. Last evaluated: 2025-07-31. Review status: criteria provided, single submitter. Criteria: Invitae Variant Classification Sherloc (09022015). Collection method: clinical testing. Allele origin: germline.
Comment: This sequence change replaces glutamic acid, which is acidic and polar, with lysine, which is basic and polar, at codon 85 of the GFAP protein (p.Glu85Lys). This variant is present in population databases (no rsID available, gnomAD 0.003%). This missense change has been observed in individual(s) with GFAP-related conditions (PMID: 36703223). ClinVar contains an entry for this variant (Variation ID: 1809632). Invitae Evidence Modeling of protein sequence and biophysical properties (such as structural, functional, and spatial information, amino acid conservation, physicochemical variation, residue mobility, and thermodynamic stability) indicates that this missense variant is expected to disrupt GFAP protein function with a positive predictive value of 95%. In summary, the available evidence is currently insufficient to determine the role of this variant in disease. Therefore, it has been classified as a Variant of Uncertain Significance.

GeneDx
Classification: Uncertain significance. Last evaluated: 2024-11-11. Review status: criteria provided, single submitter. Criteria: GeneDx Variant Classification Process June 2021. Collection method: clinical testing. Allele origin: germline. Affected: yes.
Comment: Reported previously as a de novo variant of uncertain significance with confirmed parentage in a patient with behavioral changes in published literature; however, the reported clinical features are only partially consistent with the features typically observed in individuals with pathogenic variants in this gene (PMID: 36703223); Not observed at significant frequency in large population cohorts (gnomAD); In silico analysis supports that this missense variant has a deleterious effect on protein structure/function; This variant is associated with the following publications: (PMID: 36703223)

Dubai Health Genomic Medicine Center, Dubai Health
Classification: Uncertain significance. Last evaluated: 2022-12-17. Review status: criteria provided, single submitter. Criteria: ACMG Guidelines, 2015. Collection method: clinical testing. Allele origin: germline. Affected: yes.

Literature cited by the submitters: PubMed 36703223 (cited by Labcorp Genetics (formerly Invitae), Labcorp).

NM_002055.5(GFAP):c.253G>A (p.Glu85Lys)

Gene: GFAP (glial fibrillary acidic protein; minus strand). Cytogenetic location: 17q21.31.
Variant type: single nucleotide variant.
Coding change: c.253G>A on transcript NM_002055.5 (MANE Select); coding-DNA position 253, G replaced by A.
Protein change: p.Glu85Lys; replaces glutamic acid 85 with lysine.
Molecular consequence: missense variant.
Genome position (GRCh38, 1-based): chr17:44,915,234, C>T on the plus strand (G>A on the coding strand, the complement: GFAP is on the minus strand). VCF-style: chr17-44915234-C-T. GRCh37 (hg19) VCF-style: chr17-42992602-C-T.
Other names: c.253G>A, p.Glu85Lys (NM_001131019.3, NM_001242376.3, NM_001363846.2); c.253G>A (NM_002055.4); short protein forms E85K.
Identifiers: ClinVar variation 1809632 (VCV001809632.4), dbSNP rs907564777, ClinGen allele CA291034253.
Genomic context (GRCh38, chr17:44,915,234, plus strand): 5'-GCAGCTGGTTCAGCTCAGCAGCCAGCGCCTTGTTTTGCTGTTCCAGGAAGCGAACCTTCT[C>T]GATGTAGCTGGCAAAGCGGTCATTGAGCTCCATCATCTCTGCCCGCTCACTGGCCCGGGT-3'
Protein context (NP_002046.1, residues 75-95): ELNDRFASYI[Glu85Lys]KVRFLEQQNK